The following is an entry in ClinVar:

ClinVar aggregate classification (germline): Pathogenic (1 of 4 stars; one submission).

Conditions:
Autosomal recessive ataxia, Beauce type. Also called: Spinocerebellar ataxia, autosomal recessive 8; ATAXIA, RECESSIVE, OF BEAUCE; SYNE1 Deficiency; SYNE1-Related Autosomal Recessive Cerebellar Ataxia. Identifiers: Orphanet 88644, MedGen C1853116, MONDO:0012549, OMIM 610743.

Submission:

School of Computer Science, University of Waterloo
Classification: Pathogenic for Autosomal recessive ataxia, Beauce type. Last evaluated: 2021-05-06. Review status: criteria provided, single submitter. Criteria: ACMG Guidelines, 2015. Collection method: clinical testing. Allele origin: germline. Affected: no. Observed: 10 variant alleles.
Comment: Evidence categories PVS1, PM2 and PM4 in ACMG guidelines. This is a frameshift variant in gene SYNE1 that disrupts the protein NP_149062.1:p.Leu5887fs; several loss-of-function frameshift variants have been reported as pathogenic on this protein (ClinVar IDs 204299, 436905, 199228).

NM_182961.4(SYNE1):c.17872_17875del (p.Leu5958fs)

Gene: SYNE1 (spectrin repeat containing nuclear envelope protein 1; minus strand). Cytogenetic location: 6q25.2.
Variant type: Deletion.
Coding change: c.17872_17875del on transcript NM_182961.4 (MANE Select); coding-DNA positions 17872 to 17875, 4 bases deleted (CTCT; older notation c.17872_17875delCTCT).
Protein change: p.Leu5958fs; shifts the reading frame from leucine 5958.
Molecular consequence: frameshift variant.
Genome position (GRCh38, 1-based): chr6:152,293,725-152,293,728, AGAG deleted on the plus strand (CTCT on the coding strand, the reverse complement: SYNE1 is on the minus strand). VCF-style (leftmost placement, unchanged base first): chr6-152293724-TAGAG-T. GRCh37 (hg19) VCF-style: chr6-152614859-TAGAG-T.
Other names: c.17659_17662del, p.Leu5887fs (NM_033071.5); short protein forms L5887fs, L5958fs.
Identifiers: ClinVar variation 1065639 (VCV001065639.2), dbSNP rs2153783491, ClinGen allele CA2499218144.